The following is an entry in ClinVar:

ClinVar aggregate classification (germline): Conflicting classifications of pathogenicity. Review status: criteria provided, conflicting classifications (1 of 4 stars). 10 submissions from 10 submitters: Uncertain significance (8); Benign (1). 1 of the submissions does not count toward it. Last evaluated 2025-12-15.

Conditions:
MSH6-related disorder. Also called: MSH6-related condition; MSH6-Related disorders.
Hereditary nonpolyposis colorectal neoplasms. Identifiers: MedGen C0009405, MeSH D003123.
Hereditary cancer-predisposing syndrome. Also called: Neoplastic Syndromes, Hereditary; Tumor predisposition; Hereditary neoplastic syndrome; Hereditary Cancer Syndrome. Identifiers: Orphanet 140162, MedGen C0027672, MeSH D009386, MONDO:0015356.
Lynch syndrome. Identifiers: Orphanet 144, MedGen C4552100, MONDO:0005835. Disease mechanism: loss of function.
Lynch syndrome 5 (LYNCH5). Also called: Colorectal cancer, hereditary nonpolyposis, type 5; Hereditary non-polyposis colorectal cancer, type 5. Identifiers: Orphanet 144, MedGen C1833477, MONDO:0013710, OMIM 614350. Disease mechanism: loss of function.

Allele frequency attached by ClinVar (database versions not stated): gnomAD 0.00001; ExAC 0.00002; gnomAD exomes 0.00002; TOPMed 0.00002; 1000 Genomes Project 30x 0.00016; 1000 Genomes Project 0.00020.
gnomAD v4.1: 9 of 1,610,684 alleles (0.00056%); highest among the groups gnomAD compares: Admixed American, 0.01%; no homozygotes.

Submissions (10):

Labcorp Genetics (formerly Invitae), Labcorp
Classification: Benign for Hereditary nonpolyposis colorectal neoplasms. Last evaluated: 2025-12-15. Review status: criteria provided, single submitter. Criteria: Invitae Variant Classification Sherloc (09022015). Collection method: clinical testing. Allele origin: germline.

PreventionGenetics, part of Exact Sciences
Classification: Uncertain significance for MSH6-related condition. Last evaluated: 2025-09-03. Review status: criteria provided, single submitter. Criteria: ACMG Guidelines, 2015. Collection method: clinical testing. Allele origin: germline.
Comment: The MSH6 c.4068G>C variant is predicted to result in the amino acid substitution p.Leu1356Phe. This variant has been reported in a study of prostate cancer risk in men of African ancestry, however, it was not stated whether this variant was observed in an affected individual or unaffected control (Supplementary Table 2, Matejcic et al. 2020. PubMed ID: 32832836). This variant is reported in 0.011% of alleles in individuals of Latino descent in gnomAD and has conflicting interpretations in ClinVar ranging from uncertain to benign (Variation ID: 182651). At this time, the clinical significance of this variant is uncertain due to the absence of conclusive functional and genetic evidence.

Ambry Genetics
Classification: Uncertain significance for Hereditary cancer-predisposing syndrome. Last evaluated: 2025-07-10. Review status: criteria provided, single submitter. Criteria: Ambry Variant Classification Scheme 2023. Collection method: clinical testing. Allele origin: germline.
Comment: The p.L1356F variant (also known as c.4068G>C), located in coding exon 10 of the MSH6 gene, results from a G to C substitution at nucleotide position 4068. The leucine at codon 1356 is replaced by phenylalanine, an amino acid with highly similar properties. This amino acid position is not well conserved in available vertebrate species. In addition, the in silico prediction for this alteration is inconclusive. Since supporting evidence is limited at this time, the clinical significance of this alteration remains unclear.

Quest Diagnostics Nichols Institute San Juan Capistrano
Classification: Uncertain significance. Last evaluated: 2024-11-20. Review status: criteria provided, single submitter. Criteria: Quest Diagnostics criteria. Collection method: clinical testing. Allele origin: unknown.
Comment: The MSH6 c.4068G>C (p.Leu1356Phe) variant has been reported in the published literature in an individual in a prostate cancer association study, however it is unknown whether this individual was affected (PMID: 32832836 (2020)). The frequency of this variant in the general population, 0.00011 (4/35342 chromosomes (Genome Aggregation Database)), is uninformative in the assessment of its pathogenicity. Analysis of this variant using bioinformatics tools for the prediction of the effect of amino acid changes on protein structure and function yielded predictions that this variant is benign. Based on the available information, we are unable to determine the clinical significance of this variant.

All of Us Research Program, National Institutes of Health
Classification: Uncertain significance for Lynch syndrome. Last evaluated: 2024-07-20. Review status: criteria provided, single submitter. Criteria: ACMG Guidelines, 2015. Collection method: clinical testing. Allele origin: germline. Inheritance: Autosomal dominant inheritance. Observed: 2 variant alleles, 2 heterozygotes.
Comment: This missense variant replaces leucine with phenylalanine at codon 1356 of the MSH6 protein. Computational prediction suggests that this variant may not impact protein structure and function (internally defined REVEL score threshold <= 0.5, PMID: 27666373). To our knowledge, functional studies have not been reported for this variant. This variant has not been reported in individuals affected with MSH6-related disorders in the literature. This variant has been identified in 6/282124 chromosomes in the general population by the Genome Aggregation Database (gnomAD). The available evidence is insufficient to determine the role of this variant in disease conclusively. Therefore, this variant is classified as a Variant of Uncertain Significance.

This study involves interpretation of variants in research participants for the purpose of population health screening. Participant phenotype was not available at the time of variant classification. Additional details can be found in publication PMID: 35346344, PMCID: PMC8962531

Color Diagnostics, LLC DBA Color Health
Classification: Uncertain significance for Hereditary cancer-predisposing syndrome. Last evaluated: 2024-07-10. Review status: criteria provided, single submitter. Criteria: ACMG Guidelines, 2015. Collection method: clinical testing. Allele origin: germline.
Comment: This missense variant replaces leucine with phenylalanine at codon 1356 of the MSH6 protein. Computational prediction suggests that this variant may not impact protein structure and function (internally defined REVEL score threshold <= 0.5, PMID: 27666373). To our knowledge, functional studies have not been reported for this variant. This variant has not been reported in individuals affected with MSH6-related disorders in the literature. This variant has been identified in 6/282124 chromosomes in the general population by the Genome Aggregation Database (gnomAD). The available evidence is insufficient to determine the role of this variant in disease conclusively. Therefore, this variant is classified as a Variant of Uncertain Significance.

Women's Health and Genetics/Laboratory Corporation of America, LabCorp
Classification: Uncertain significance. Last evaluated: 2023-08-07. Review status: criteria provided, single submitter. Criteria: LabCorp Variant Classification Summary - May 2015. Collection method: clinical testing. Allele origin: germline.

GeneDx
Classification: Uncertain significance. Last evaluated: 2023-05-05. Review status: criteria provided, single submitter. Criteria: GeneDx Variant Classification Process June 2021. Collection method: clinical testing. Allele origin: germline. Affected: yes.
Comment: Has not been previously published as pathogenic or benign to our knowledge; In silico analysis supports that this missense variant does not alter protein structure/function; This variant is associated with the following publications: (PMID: 17531815, 21120944, 12019211)

Myriad Genetics, Inc.
Classification: Uncertain significance for Lynch syndrome 5. Last evaluated: 2023-03-28. Review status: criteria provided, single submitter. Criteria: Myriad Autosomal Dominant, Autosomal Recessive and X-Linked Classification Criteria (2023). Collection method: clinical testing. Allele origin: unknown.
Comment: This variant is classified as a variant of uncertain significance as there is insufficient evidence to determine its impact on protein function and/or cancer risk.

Counsyl
Classification: Uncertain significance for Lynch syndrome 5. Last evaluated: 2017-04-03. Review status: no assertion criteria provided. Collection method: clinical testing. Allele origin: unknown. Not counted in ClinVar's aggregate classification.

Literature cited by the submitters: PubMed 32832836 (cited by Quest Diagnostics Nichols Institute San Juan Capistrano).

NM_000179.3(MSH6):c.4068G>C (p.Leu1356Phe)

Gene: MSH6 (mutS homolog 6; plus strand). Cytogenetic location: 2p16.3.
Variant type: single nucleotide variant.
Coding change: c.4068G>C on transcript NM_000179.3 (MANE Select); coding-DNA position 4068, G replaced by C.
Protein change: p.Leu1356Phe; replaces leucine 1356 with phenylalanine.
Molecular consequence: missense variant.
Genome position (GRCh38, 1-based): chr2:47,806,845, G>C. VCF-style: chr2-47806845-G-C. GRCh37 (hg19) VCF-style: chr2-48033984-G-C.
Other names: p.L1356F:TTG>TTC; c.3678G>C, p.Leu1226Phe (NM_001281492.2); c.3162G>C, p.Leu1054Phe (NM_001281493.2, NM_001281494.2); short protein forms L1356F, L1226F, L1054F.
Identifiers: ClinVar variation 182651 (VCV000182651.38), dbSNP rs192740549, ClinGen allele CA015417.
Genomic context (GRCh38, chr2:47,806,845, plus strand): 5'-TTGCCTGGCTAGTGAAAGGTCAACTGTAGATGCTGAAGCTGTCCATAAATTGCTGACTTT[G>C]ATTAAGGAATTATAGACTGACTACATTGGAAGCTTTGAGTTGACTTCTGACAAAGGTGGT-3'
Protein context (NP_000170.1, residues 1346-1360): DAEAVHKLLT[Leu1356Phe]IKEL